The following is an entry in ClinVar:

ClinVar aggregate classification (germline): Uncertain significance. Review status: criteria provided, single submitter (1 of 4 stars). 2 submissions from 2 submitters: Uncertain significance (1). 1 of the submissions does not count toward it. Last evaluated 2026-02-26.

Conditions:
GNE myopathy (NM). Also called: NONAKA DISTAL MYOPATHY; INCLUSION BODY MYOPATHY, HEREDITARY, AUTOSOMAL RECESSIVE; INCLUSION BODY MYOPATHY 2, AUTOSOMAL RECESSIVE; MYOPATHY, DISTAL, WITH OR WITHOUT RIMMED VACUOLES; IBM 2; Inclusion body myopathy autosomal recessive. Identifiers: Orphanet 602, MedGen C1853926, MONDO:0011603, OMIM 605820.

Submissions (2):

Women's Health and Genetics/Laboratory Corporation of America, LabCorp
Classification: Uncertain significance. Last evaluated: 2026-02-26. Review status: criteria provided, single submitter. Criteria: LabCorp Variant Classification Summary - May 2015. Collection method: clinical testing. Allele origin: germline.
Comment: Variant summary: GNE c.1054C>A (p.Arg352Ser) results in a non-conservative amino acid change in the encoded protein sequence. Algorithms developed to predict the effect of missense changes on protein structure and function all suggest that this variant is likely to be disruptive. The variant was absent in 251406 control chromosomes. The available data on variant occurrences in the general population are insufficient to allow any conclusion about variant significance. To our knowledge, no occurrence of c.1054C>A in individuals affected with GNE-related conditions and no experimental evidence demonstrating its impact on protein function have been reported. A different variant affecting the same codon has been classified as likely pathogenic/pathogenic by our lab (c.1054C>T, p.Arg352Cys), supporting the critical relevance of codon 352 to GNE protein function. ClinVar contains an entry for this variant (Variation ID: 4068810). Based on the evidence outlined above, the variant was classified as uncertain significance.

Natera, Inc.
Classification: Uncertain significance for Nonaka myopathy. Last evaluated: 2025-01-12. Review status: no assertion criteria provided. Collection method: clinical testing. Allele origin: germline. Not counted in ClinVar's aggregate classification.

Literature cited by the submitters: PubMed 39102614 (cited by Women's Health and Genetics/Laboratory Corporation of America, LabCorp).

NM_005476.7(GNE):c.961C>A (p.Arg321Ser)

Gene: GNE (glucosamine (UDP-N-acetyl)-2-epimerase/N-acetylmannosamine kinase; minus strand). Cytogenetic location: 9p13.3.
Variant type: single nucleotide variant.
Coding change: c.961C>A on transcript NM_005476.7 (MANE Select); coding-DNA position 961, C replaced by A.
Protein change: p.Arg321Ser; replaces arginine 321 with serine.
Molecular consequence: missense variant.
Genome position (GRCh38, 1-based): chr9:36,233,941, G>T on the plus strand (C>A on the coding strand, the complement: GNE is on the minus strand). VCF-style: chr9-36233941-G-T. GRCh37 (hg19) VCF-style: chr9-36233938-G-T.
Other names: c.1054C>A, p.Arg352Ser (NM_001128227.3); c.961C>A, p.Arg321Ser (NM_001190383.3); c.631C>A, p.Arg211Ser (NM_001190384.3); c.784C>A, p.Arg262Ser (NM_001190388.2, NM_001374798.1); c.808C>A, p.Arg270Ser (NM_001374797.1); short protein forms R211S, R262S, R270S, R321S, R352S.
Identifiers: ClinVar variation 4068810 (VCV004068810.2).